The following is an entry in ClinVar:

ClinVar aggregate classification (germline): Uncertain significance. Review status: criteria provided, multiple submitters, no conflicts (2 of 4 stars). 3 submissions from 3 submitters: Uncertain significance (3). Last evaluated 2025-08-30.

Conditions:
Age related macular degeneration 1 (ARMD1). Also called: MACULOPATHY, AGE-RELATED, 1. Identifiers: MedGen C1864205, MONDO:0011285, OMIM 603075.

Allele frequency attached by ClinVar (database versions not stated): ExAC 0.00002; TOPMed 0.00004; gnomAD 0.00007; gnomAD exomes 0.00008.
gnomAD v4.1: 119 of 1,613,944 alleles (0.0074%); highest among the groups gnomAD compares: Non-Finnish European, 0.0086%; no homozygotes.

Submissions (3):

Ambry Genetics
Classification: Uncertain significance. Last evaluated: 2025-08-30. Review status: criteria provided, single submitter. Criteria: Ambry Variant Classification Scheme 2023. Collection method: clinical testing. Allele origin: germline.

Genome-Nilou Lab
Classification: Uncertain significance for Age related macular degeneration 1. Last evaluated: 2023-04-11. Review status: criteria provided, single submitter. Criteria: ACMG Guidelines, 2015. Collection method: clinical testing. Allele origin: germline. Affected: no.

Labcorp Genetics (formerly Invitae), Labcorp
Classification: Uncertain significance. Last evaluated: 2023-02-20. Review status: criteria provided, single submitter. Criteria: Invitae Variant Classification Sherloc (09022015). Collection method: clinical testing. Allele origin: germline.
Comment: This sequence change replaces arginine, which is basic and polar, with glutamine, which is neutral and polar, at codon 4839 of the HMCN1 protein (p.Arg4839Gln). This variant is present in population databases (rs777456781, gnomAD 0.02%). This variant has not been reported in the literature in individuals affected with HMCN1-related conditions. An algorithm developed to predict the effect of missense changes on protein structure and function (PolyPhen-2) suggests that this variant is likely to be disruptive. In summary, the available evidence is currently insufficient to determine the role of this variant in disease. Therefore, it has been classified as a Variant of Uncertain Significance.

NM_031935.3(HMCN1):c.14516G>A (p.Arg4839Gln)

Gene: HMCN1 (hemicentin 1; plus strand). Cytogenetic location: 1q31.1.
Variant type: single nucleotide variant.
Coding change: c.14516G>A on transcript NM_031935.3 (MANE Select); coding-DNA position 14516, G replaced by A.
Protein change: p.Arg4839Gln; replaces arginine 4839 with glutamine.
Molecular consequence: missense variant.
Genome position (GRCh38, 1-based): chr1:186,145,831, G>A. VCF-style: chr1-186145831-G-A. GRCh37 (hg19) VCF-style: chr1-186114963-G-A.
Other names: c.14516G>A (NM_031935.2); short protein forms R4839Q.
Identifiers: ClinVar variation 2414088 (VCV002414088.11), dbSNP rs777456781, ClinGen allele CA1294976.
Genomic context (GRCh38, chr1:186,145,831, plus strand): 5'-GCTGGCATAGTTGGAGCCAGTGCTCTGCCTCCTGTGGAGGAGGTGAAAAGACTCGGAAGC[G>A]GCTGTGCGACCATCCTGTGCCAGTTAAAGGTGGCCGTCCCTGTCCCGGAGACACTACTCA-3'
Protein context (NP_114141.2, residues 4829-4849): SCGGGEKTRK[Arg4839Gln]LCDHPVPVKG